The following is an entry in ClinVar:

NM_020066.5(FMN2):c.2223G>A (p.Ala741=)

Gene: FMN2 (formin 2; plus strand). Cytogenetic location: 1q43.
Variant type: single nucleotide variant.
Coding change: c.2223G>A on transcript NM_020066.5 (MANE Select); coding-DNA position 2223, G replaced by A.
Protein change: p.Ala741=; no amino-acid change (alanine 741 retained).
Molecular consequence: synonymous variant. On other transcripts: intron variant (1).
Genome position (GRCh38, 1-based): chr1:240,207,035, G>A. VCF-style: chr1-240207035-G-A. GRCh37 (hg19) VCF-style: chr1-240370335-G-A.
Other names: c.2235G>A, p.Ala745= (NM_001305424.2); c.1986+18773G>A (NM_001348094.2).
Identifiers: ClinVar variation 3771159 (VCV003771159.13).
Genomic context (GRCh38, chr1:240,207,035, plus strand): 5'-CTGTCTCGAAGCTCTCAGGTTAGAAGAAAAGGAAGTACGGCATCATAGGATTTTAGAGGC[G>A]AAATCGATACAGACTTCCCCCACGGAAGAGGGCGGGGTGCTGACACTGCCTCCTGTGGAT-3'
Protein context (NP_064450.3, residues 731-751): KEVRHHRILE[Ala741=]KSIQTSPTEE

ClinVar aggregate classification (germline): Likely benign (1 of 4 stars; one submission).

gnomAD v4.1: 144 of 1,614,132 alleles (0.0089%); highest among the groups gnomAD compares: South Asian, 0.15%; 2 homozygotes.

Submission:

CeGaT Center for Human Genetics Tuebingen
Classification: Likely benign. Last evaluated: 2024-12-01. Review status: criteria provided, single submitter. Criteria: CeGaT Center For Human Genetics Tuebingen Variant Classification Criteria Version 2. Collection method: clinical testing. Allele origin: germline. Affected: yes. Observed: 1 variant allele.
Comment: FMN2: BP4, BP7